The following is an entry in ClinVar:

NM_021167.5(GATAD1):c.184G>T (p.Ala62Ser)

Genes: GATAD1 (GATA zinc finger domain containing 1; plus strand), LOC129998793 (ATAC-STARR-seq lymphoblastoid silent region 18371; plus strand). Cytogenetic location: 7q21.2.
Variant type: single nucleotide variant.
Coding change: c.184G>T on transcript NM_021167.5 (MANE Select); coding-DNA position 184, G replaced by T.
Protein change: p.Ala62Ser; replaces alanine 62 with serine.
Molecular consequence: missense variant. On other transcripts: non-coding transcript variant (1).
Genome position (GRCh38, 1-based): chr7:92,447,913, G>T. VCF-style: chr7-92447913-G-T. GRCh37 (hg19) VCF-style: chr7-92077227-G-T.
Other names: short protein forms A62S.
Identifiers: ClinVar variation 473162 (VCV000473162.9), dbSNP rs1445688677, ClinGen allele CA368155555.

ClinVar aggregate classification (germline): Uncertain significance (1 of 4 stars; one submission).

Conditions:
Dilated cardiomyopathy 2B. Identifiers: Orphanet 154, MedGen C3553409, MONDO:0013848, OMIM 614672.

Submission:

Labcorp Genetics (formerly Invitae), Labcorp
Classification: Uncertain significance for Dilated cardiomyopathy 2B. Last evaluated: 2017-07-22. Review status: criteria provided, single submitter. Criteria: Invitae Variant Classification Sherloc (09022015). Collection method: clinical testing. Allele origin: germline.
Comment: In summary, the available evidence is currently insufficient to determine the role of this variant in disease. Therefore, it has been classified as a Variant of Uncertain Significance. Algorithms developed to predict the effect of missense changes on protein structure and function output the following: SIFT: "Tolerated"; PolyPhen-2: "Benign"; Align-GVGD: "Class C0". The serine amino acid residue is found in multiple mammalian species, suggesting that this missense change does not adversely affect protein function. These predictions have not been confirmed by published functional studies and their clinical significance is uncertain. This variant has not been reported in the literature in individuals with GATAD1-related disease. While this variant is not present in population databases, the frequency information is unreliable, as metrics indicate poor data quality at this position in the ExAC database. This sequence change replaces alanine with serine at codon 62 of the GATAD1 protein (p.Ala62Ser). The alanine residue is weakly conserved and there is a moderate physicochemical difference between alanine and serine.